The following is an entry in ClinVar:

ClinVar aggregate classification (germline): Uncertain significance (1 of 4 stars; one submission).

Conditions:
Biotinidase deficiency. Also called: Biotin deficiency; BTD deficiency; Late-onset biotin-responsive multiple carboxylase deficiency. Identifiers: Orphanet 79241, MedGen C0220754, MONDO:0009665, OMIM 253260.

Allele frequency attached by ClinVar (database versions not stated): gnomAD 0.00001 and 0.00002; ExAC 0.00002; gnomAD exomes 0.00002 and 0.00004; TOPMed 0.00002; ESP Exome Variant Server 0.00008; 1000 Genomes Project 30x 0.00016; 1000 Genomes Project 0.00020.
gnomAD v4.1: 12 of 1,614,212 alleles (0.00074%); highest among the groups gnomAD compares: Admixed American, 0.013%; no homozygotes.

Submission:

Labcorp Genetics (formerly Invitae), Labcorp
Classification: Uncertain significance for Biotinidase deficiency. Last evaluated: 2021-09-24. Review status: criteria provided, single submitter. Criteria: Invitae Variant Classification Sherloc (09022015). Collection method: clinical testing. Allele origin: germline.
Comment: This sequence change replaces asparagine with aspartic acid at codon 402 of the BTD protein (p.Asn402Asp). The asparagine residue is highly conserved and there is a small physicochemical difference between asparagine and aspartic acid. This variant is present in population databases (rs147188293, ExAC 0.02%). This variant has not been reported in the literature in individuals with BTD-related conditions. Algorithms developed to predict the effect of missense changes on protein structure and function output the following: SIFT: "Tolerated"; PolyPhen-2: "Benign"; Align-GVGD: "Class C0". The aspartic acid amino acid residue is found in multiple mammalian species, suggesting that this missense change does not adversely affect protein function. These predictions have not been confirmed by published functional studies and their clinical significance is uncertain. In summary, the available evidence is currently insufficient to determine the role of this variant in disease. Therefore, it has been classified as a Variant of Uncertain Significance.

NM_001370658.1(BTD):c.1144A>G (p.Asn382Asp)

Gene: BTD (biotinidase; plus strand). Cytogenetic location: 3p25.1.
Variant type: single nucleotide variant.
Coding change: c.1144A>G on transcript NM_001370658.1 (MANE Select); coding-DNA position 1144, A replaced by G.
Protein change: p.Asn382Asp; replaces asparagine 382 with aspartic acid.
Molecular consequence: missense variant. On other transcripts: intron variant (2).
Genome position (GRCh38, 1-based): chr3:15,645,060, A>G. VCF-style: chr3-15645060-A-G. GRCh37 (hg19) VCF-style: chr3-15686567-A-G.
Other names: c.1015+129A>G (NM_001370752.1); c.399+3003A>G (NM_001370753.1); c.1144A>G, p.Asn382Asp (NM_001281725.3, NM_001323582.2, NM_001407364.1 and 16 more transcripts); c.1204A>G, p.Asn402Asp (NM_000060.4); short protein forms N382D, N402D.
Identifiers: ClinVar variation 1431894 (VCV001431894.6), dbSNP rs147188293, ClinGen allele CA2277435.